The following is an entry in ClinVar:

ClinVar aggregate classification (germline): Uncertain significance. Review status: criteria provided, single submitter (1 of 4 stars). 2 submissions from 2 submitters: Uncertain significance (1). 1 of the submissions does not count toward it. Last evaluated 2022-10-22.

Conditions:
Bifunctional peroxisomal enzyme deficiency (DBIF). Also called: DBP DEFICIENCY; D-bifunctional protein deficiency; PBFE DEFICIENCY. Identifiers: Orphanet 300, MedGen C0342870, MONDO:0009855, OMIM 261515. Disease mechanism: loss of function.
Perrault syndrome. Also called: Gonadal dysgenesis with auditory dysfunction, autosomal recessive inheritance. Identifiers: Orphanet 2855, MedGen C0685838, MONDO:0017312.

Allele frequency attached by ClinVar (database versions not stated): ExAC 0.00001; gnomAD 0.00001; gnomAD exomes 0.00001 and 0.00004; TOPMed 0.00002.
gnomAD v4.1: 63 of 1,613,608 alleles (0.0039%); highest among the groups gnomAD compares: Non-Finnish European, 0.0051%; no homozygotes.

Submissions (2):

Labcorp Genetics (formerly Invitae), Labcorp
Classification: Uncertain significance for Perrault syndrome; Bifunctional peroxisomal enzyme deficiency. Last evaluated: 2022-10-22. Review status: criteria provided, single submitter. Criteria: Invitae Variant Classification Sherloc (09022015). Collection method: clinical testing. Allele origin: germline.
Comment: This sequence change replaces isoleucine, which is neutral and non-polar, with valine, which is neutral and non-polar, at codon 364 of the HSD17B4 protein (p.Ile364Val). This variant is present in population databases (rs757346346, gnomAD 0.003%). This variant has not been reported in the literature in individuals affected with HSD17B4-related conditions. ClinVar contains an entry for this variant (Variation ID: 655470). Advanced modeling of protein sequence and biophysical properties (such as structural, functional, and spatial information, amino acid conservation, physicochemical variation, residue mobility, and thermodynamic stability) performed at Invitae indicates that this missense variant is not expected to disrupt HSD17B4 protein function. In summary, the available evidence is currently insufficient to determine the role of this variant in disease. Therefore, it has been classified as a Variant of Uncertain Significance.

Natera, Inc.
Classification: Uncertain significance for Bifunctional peroxisomal enzyme deficiency. Last evaluated: 2020-11-24. Review status: no assertion criteria provided. Collection method: clinical testing. Allele origin: germline. Not counted in ClinVar's aggregate classification.

NM_000414.4(HSD17B4):c.1090A>G (p.Ile364Val)

Gene: HSD17B4 (hydroxysteroid 17-beta dehydrogenase 4; plus strand). Cytogenetic location: 5q23.1.
Variant type: single nucleotide variant.
Coding change: c.1090A>G on transcript NM_000414.4 (MANE Select); coding-DNA position 1090, A replaced by G.
Protein change: p.Ile364Val; replaces isoleucine 364 with valine.
Molecular consequence: missense variant.
Genome position (GRCh38, 1-based): chr5:119,499,434, A>G. VCF-style: chr5-119499434-A-G. GRCh37 (hg19) VCF-style: chr5-118835129-A-G.
Other names: c.1165A>G, p.Ile389Val (NM_001199291.3); c.1036A>G, p.Ile346Val (NM_001199292.2); c.1018A>G, p.Ile340Val (NM_001292027.2); c.670A>G, p.Ile224Val (NM_001292028.2); short protein forms I224V, I364V, I389V, I340V, I346V.
Identifiers: ClinVar variation 655470 (VCV000655470.4), dbSNP rs757346346, ClinGen allele CA3382087.
Genomic context (GRCh38, chr5:119,499,434, plus strand): 5'-GCTATTATGTATGCCCTTGGAGTGGGAGCGTCAATCAAGGATCCAAAAGATTTGAAATTT[A>G]TTTATGAAGGAAGTTCTGATTTCTCCTGTTTGCCCACCTTCGGAGTTATCATAGGTCAGA-3'
Protein context (NP_000405.1, residues 354-374): SIKDPKDLKF[Ile364Val]YEGSSDFSCL